The following is an entry in ClinVar:

ClinVar aggregate classification (germline): Pathogenic. Review status: criteria provided, multiple submitters, no conflicts (2 of 4 stars). 3 submissions from 3 submitters: Pathogenic (3). Last evaluated 2026-01-05.

Conditions:
Cardiovascular phenotype. Identifiers: MedGen CN230736.
Distal myopathy with posterior leg and anterior hand involvement. Also called: WILLIAMS DISTAL MYOPATHY. Identifiers: Orphanet 63273, MedGen C3279722, MONDO:0013550, OMIM 614065.
Myofibrillar myopathy 5. Also called: Filaminopathy (type); FILAMINOPATHY, AUTOSOMAL DOMINANT. Identifiers: Orphanet 171445, MedGen C1836050, MONDO:0012289, OMIM 609524.
Hypertrophic cardiomyopathy 26. Also called: Cardiomyopathy, familial hypertrophic, 26. Identifiers: Orphanet 75249, MedGen C4310749, MONDO:0014883, OMIM 617047.
FLNC-related disorder. Also called: FLNC-related condition; FLNC-related disorders.

Submissions (3):

PreventionGenetics, part of Exact Sciences
Classification: Pathogenic for FLNC-related condition. Last evaluated: 2026-01-05. Review status: criteria provided, single submitter. Criteria: ACMG Guidelines, 2015. Collection method: clinical testing. Allele origin: germline.
Comment: The FLNC c.6160G>T variant is predicted to result in premature protein termination (p.Gly2054*). To our knowledge, this variant has not been reported in the literature or in a large population database (gnomAD), indicating this variant is rare. Nonsense variants in FLNC are expected to be pathogenic. This variant is interpreted as pathogenic.

Labcorp Genetics (formerly Invitae), Labcorp
Classification: Pathogenic for Distal myopathy with posterior leg and anterior hand involvement; Myofibrillar myopathy 5; Hypertrophic cardiomyopathy 26. Last evaluated: 2025-02-27. Review status: criteria provided, single submitter. Criteria: Invitae Variant Classification Sherloc (09022015). Collection method: clinical testing. Allele origin: germline.
Comment: This sequence change creates a premature translational stop signal (p.Gly2054*) in the FLNC gene. It is expected to result in an absent or disrupted protein product. Loss-of-function variants in FLNC are known to be pathogenic (PMID: 27908349). This variant is not present in population databases (gnomAD no frequency). This variant has not been reported in the literature in individuals affected with FLNC-related conditions. ClinVar contains an entry for this variant (Variation ID: 2950983). Algorithms developed to predict the effect of sequence changes on RNA splicing suggest that this variant may disrupt the consensus splice site. For these reasons, this variant has been classified as Pathogenic.

Ambry Genetics
Classification: Pathogenic for Cardiovascular phenotype. Last evaluated: 2024-02-20. Review status: criteria provided, single submitter. Criteria: Ambry Variant Classification Scheme 2023. Collection method: clinical testing. Allele origin: germline.
Comment: The p.G2054* pathogenic mutation (also known as c.6160G>T), located in coding exon 37 of the FLNC gene, results from a G to T substitution at nucleotide position 6160. This changes the amino acid from a glycine to a stop codon within coding exon 37. This variant is considered to be rare based on population cohorts in the Genome Aggregation Database (gnomAD). This alteration is expected to result in loss of function by premature protein truncation or nonsense-mediated mRNA decay. Based on the supporting evidence, this variant is expected to be causative of FLNC-related dilated cardiomyopathy; however, its clinical significance for FLNC-related hypertrophy/restrictive cardiomyopathy and/or skeletal myopathy is unclear.

Literature cited by the submitters: PubMed 27908349 (cited by Labcorp Genetics (formerly Invitae), Labcorp).

NM_001458.5(FLNC):c.6160G>T (p.Gly2054Ter)

Genes: FLNC (filamin C; plus strand), FLNC-AS1 (FLNC antisense RNA 1; minus strand). Cytogenetic location: 7q32.1.
Variant type: single nucleotide variant.
Coding change: c.6160G>T on transcript NM_001458.5 (MANE Select); coding-DNA position 6160, G replaced by T.
Protein change: p.Gly2054Ter; replaces glycine 2054 with a stop codon.
Molecular consequence: nonsense.
Genome position (GRCh38, 1-based): chr7:128,852,983, G>T. VCF-style: chr7-128852983-G-T. GRCh37 (hg19) VCF-style: chr7-128493037-G-T.
Other names: c.6061G>T, p.Gly2021Ter (NM_001127487.2); short protein forms G2054*, G2021*.
Identifiers: ClinVar variation 2950983 (VCV002950983.5), dbSNP rs1808887627, ClinGen allele CA369211470.
Genomic context (GRCh38, chr7:128,852,983, plus strand): 5'-GGGCCATCTGAGATCGGGGACGCCAGCAAGGTGCGGGTCTGGGGCAAGGGGCTTTCCGAG[G>T]GACACACATTCCAGGTGGCAGAGTTCATCGTGGACACTCGCAATGCAGGTACCTCCTGCC-3'